The following is an entry in ClinVar:

ClinVar aggregate classification (germline): Uncertain significance. Review status: criteria provided, multiple submitters, no conflicts (2 of 4 stars). 2 submissions from 2 submitters: Uncertain significance (2). Last evaluated 2023-08-07.

Conditions:
Jeune thoracic dystrophy. Also called: Jeune syndrome; Infantile thoracic dystrophy; Thoracic pelvic phalangeal dystrophy; Jeune's syndrome; Chondroectodermal dysplasia-like syndrome; Short-rib thoracic dysplasia. Identifiers: Orphanet 474, MedGen C0265275, MONDO:0018770.

Allele frequency attached by ClinVar (database versions not stated): gnomAD exomes below 0.00001; ExAC 0.00001.
gnomAD v4.1: 2 of 1,611,152 alleles (0.00012%); highest among the groups gnomAD compares: East Asian, 0.0045%; no homozygotes.

Submissions (2):

GeneDx
Classification: Uncertain significance. Last evaluated: 2023-08-07. Review status: criteria provided, single submitter. Criteria: GeneDx Variant Classification Process June 2021. Collection method: clinical testing. Allele origin: germline. Affected: yes.
Comment: Not observed at significant frequency in large population cohorts (gnomAD); In silico analysis supports that this missense variant has a deleterious effect on protein structure/function; Has not been previously published as pathogenic or benign to our knowledge

Labcorp Genetics (formerly Invitae), Labcorp
Classification: Uncertain significance for Jeune thoracic dystrophy. Last evaluated: 2021-11-06. Review status: criteria provided, single submitter. Criteria: Invitae Variant Classification Sherloc (09022015). Collection method: clinical testing. Allele origin: germline.
Comment: This sequence change replaces glutamic acid, which is acidic and polar, with glycine, which is neutral and non-polar, at codon 2187 of the DYNC2H1 protein (p.Glu2187Gly). This variant is present in population databases (rs745882724, gnomAD 0.006%). This missense change has been observed in individual(s) with clinical features of asphyxiating thoracic dystrophy (Invitae). Advanced modeling of protein sequence and biophysical properties (such as structural, functional, and spatial information, amino acid conservation, physicochemical variation, residue mobility, and thermodynamic stability) performed at Invitae indicates that this missense variant is not expected to disrupt DYNC2H1 protein function. In summary, the available evidence is currently insufficient to determine the role of this variant in disease. Therefore, it has been classified as a Variant of Uncertain Significance.

NM_001377.3(DYNC2H1):c.6560A>G (p.Glu2187Gly)

Gene: DYNC2H1 (dynein cytoplasmic 2 heavy chain 1; plus strand). Cytogenetic location: 11q22.3.
Variant type: single nucleotide variant.
Coding change: c.6560A>G on transcript NM_001377.3 (MANE Select); coding-DNA position 6560, A replaced by G.
Protein change: p.Glu2187Gly; replaces glutamic acid 2187 with glycine.
Molecular consequence: missense variant.
Genome position (GRCh38, 1-based): chr11:103,184,978, A>G. VCF-style: chr11-103184978-A-G. GRCh37 (hg19) VCF-style: chr11-103055707-A-G.
Other names: c.6560A>G, p.Glu2187Gly (NM_001080463.2); c.6560A>G (NM_001080463.1); short protein forms E2187G.
Identifiers: ClinVar variation 1447826 (VCV001447826.4), dbSNP rs745882724, ClinGen allele CA6254005.